The following is an entry in ClinVar:

ClinVar aggregate classification (germline): Conflicting classifications of pathogenicity. Review status: criteria provided, conflicting classifications (1 of 4 stars). 3 submissions from 3 submitters: Uncertain significance (1); Likely benign (2). Last evaluated 2025-07-11.

Conditions:
Dyskeratosis congenita. Identifiers: Orphanet 1775, MedGen C0265965, MONDO:0015780.

Submissions (3):

Labcorp Genetics (formerly Invitae), Labcorp
Classification: Likely benign for Dyskeratosis congenita. Last evaluated: 2025-07-11. Review status: criteria provided, single submitter. Criteria: Invitae Variant Classification Sherloc (09022015). Collection method: clinical testing. Allele origin: germline.

Blueprint Genetics
Classification: Likely benign. Last evaluated: 2024-01-29. Review status: criteria provided, single submitter. Criteria: ACMG Guidelines, 2015. Collection method: clinical testing. Allele origin: germline.

Sema4
Classification: Uncertain significance for Dyskeratosis congenita. Last evaluated: 2022-01-12. Review status: criteria provided, single submitter. Criteria: Sema4 Curation Guidelines. Collection method: curation. Allele origin: germline.
Comment: The TINF2 c.1222-11delC variant has not been reported in the literature to our knowledge. This variant was observed in 14/280966 chromosomes in the Ashkenazi Jewish population across the large and broad cohorts in the Genome Aggregation Database (PMID: 32461654). This variant has not been reported in ClinVar. In silico tools that predict the effect of sequence changes on splicing suggest that this variant may not impact splicing, though these predictions have not been confirmed by functional studies. The overall evidence is insufficient to meet ACMG/AMP criteria for classifying it as benign or pathogenic. In summary, the clinical significance of this variant is currently uncertain.

NM_001099274.3(TINF2):c.1222-11del

Gene: TINF2 (TERF1 interacting nuclear factor 2; minus strand). Cytogenetic location: 14q12.
Variant type: Deletion.
Coding change: c.1222-11del on transcript NM_001099274.3 (MANE Select); 11 bases into the intron before coding-DNA position 1222, one base deleted (C; older notation c.1222-11delC).
Molecular consequence: intron variant. On other transcripts: 3 prime UTR variant (1).
Genome position (GRCh38, 1-based): chr14:24,239,942, G deleted on the plus strand (C on the coding strand, the reverse complement: TINF2 is on the minus strand); the first of 3 consecutive G bases (chr14:24,239,942-24,239,944); deleting any one gives the same sequence. VCF-style (leftmost placement, unchanged base first): chr14-24239941-AG-A. GRCh37 (hg19) VCF-style: chr14-24709147-AG-A.
Other names: c.*473del (NM_012461.3); c.1117-11del (NM_001363668.2).
Identifiers: ClinVar variation 1692544 (VCV001692544.7), dbSNP rs746206409, ClinGen allele CA7130438.
Genomic context (GRCh38, chr14:24,239,941, plus strand): 5'-AGTGGGTATCAAGGTGTCAAACTTTGTCTTCTGATAGTTTTCCAGAGATTCCTGTAGAGA[AG>A]GGAGCAGGGAGAGCCTACTATCCGAAACCATTCCCTGAACCCTCTGAATTCTGAAGCATG-3'